The following is an entry in ClinVar:

ClinVar aggregate classification (germline): Uncertain significance (1 of 4 stars; one submission).

Submission:

CeGaT Center for Human Genetics Tuebingen
Classification: Uncertain significance. Last evaluated: 2023-12-01. Review status: criteria provided, single submitter. Criteria: CeGaT Center For Human Genetics Tuebingen Variant Classification Criteria Version 2. Collection method: clinical testing. Allele origin: germline. Affected: yes. Observed: 1 variant allele.
Comment: TTN: PM2

NM_001267550.2(TTN):c.94328A>G (p.Tyr31443Cys)

Genes: TTN (titin; minus strand), TTN-AS1 (TTN antisense RNA 1; plus strand). Cytogenetic location: 2q31.2.
Variant type: single nucleotide variant.
Coding change: c.94328A>G on transcript NM_001267550.2 (MANE Select); coding-DNA position 94328, A replaced by G.
Protein change: p.Tyr31443Cys; replaces tyrosine 31443 with cysteine.
Molecular consequence: missense variant.
Genome position (GRCh38, 1-based): chr2:178,547,197, T>C on the plus strand (A>G on the coding strand, the complement: TTN is on the minus strand). VCF-style: chr2-178547197-T-C. GRCh37 (hg19) VCF-style: chr2-179411924-T-C.
Other names: c.67133A>G, p.Tyr22378Cys (NM_003319.4); c.86624A>G, p.Tyr28875Cys (NM_133378.4); c.67508A>G, p.Tyr22503Cys (NM_133432.3); c.67709A>G, p.Tyr22570Cys (NM_133437.4); c.89405A>G, p.Tyr29802Cys (NM_001256850.1); short protein forms Y22378C, Y22503C, Y22570C, Y28875C, Y29802C, Y31443C.
Identifiers: ClinVar variation 3026703 (VCV003026703.22), dbSNP rs2154146478, ClinGen allele CA349475166.
Genomic context (GRCh38, chr2:178,547,197, plus strand): 5'-CATGGCACTTTGTTTTCTTTCACCCAAAGAATTGTATTACGTTCTTTCTTCTCAACCCAG[T>C]AGCCAATGATTTTACTGCCACCATCGTGGTAGGGTTCTTCCCAACGAATAGACATGGCAT-3'
Protein context (NP_001254479.2, residues 31433-31453): YHDGGSKIIG[Tyr31443Cys]WVEKKERNTI